The following is an entry in ClinVar:

NM_019109.5(ALG1):c.391-15C>G

Gene: ALG1 (ALG1 chitobiosyldiphosphodolichol beta-mannosyltransferase; plus strand). Cytogenetic location: 16p13.3.
Variant type: single nucleotide variant.
Coding change: c.391-15C>G on transcript NM_019109.5 (MANE Select); 15 bases into the intron before coding-DNA position 391, C replaced by G.
Molecular consequence: intron variant.
Genome position (GRCh38, 1-based): chr16:5,075,373, C>G. VCF-style: chr16-5075373-C-G. GRCh37 (hg19) VCF-style: chr16-5125374-C-G.
Other names: c.58-15C>G (NM_001330504.2).
Identifiers: ClinVar variation 389035 (VCV000389035.10), dbSNP rs374836725, ClinGen allele CA7889823.
Genomic context (GRCh38, chr16:5,075,373, plus strand): 5'-TTGTGACTATTTTTACTGGGTTTATTGCCTAGCATGGTCTGGGTTTCCTCCCCTTCAAGT[C>G]TCTATCTTTCCTAGAACCCCCCAGGTCTGCCTAGCATTGCTGTCTGCTGGTTCGTGGGCT-3'

ClinVar aggregate classification (germline): Likely benign. Review status: criteria provided, multiple submitters, no conflicts (2 of 4 stars). 3 submissions from 3 submitters: Likely benign (3). Last evaluated 2026-01-28.

Conditions:
ALG1-congenital disorder of glycosylation. Also called: CDG Ik; ALG1-CDG; CONGENITAL DISORDER OF GLYCOSYLATION, TYPE Ik. Identifiers: Orphanet 79327, MedGen C2931005, MONDO:0012052, OMIM 608540.

Allele frequency attached by ClinVar (database versions not stated): gnomAD exomes 0.00004 and 0.00011; ExAC 0.00016; ESP Exome Variant Server 0.00023; gnomAD 0.00043 and 0.00046; 1000 Genomes Project 0.00060; 1000 Genomes Project 30x 0.00062; TOPMed 0.00066.

Submissions (3):

Labcorp Genetics (formerly Invitae), Labcorp
Classification: Likely benign for ALG1-congenital disorder of glycosylation. Last evaluated: 2026-01-28. Review status: criteria provided, single submitter. Criteria: Invitae Variant Classification Sherloc (09022015). Collection method: clinical testing. Allele origin: germline.

Fulgent Genetics
Classification: Likely benign for ALG1-congenital disorder of glycosylation. Last evaluated: 2021-08-04. Review status: criteria provided, single submitter. Criteria: ACMG Guidelines, 2015. Collection method: clinical testing. Allele origin: unknown.

GeneDx
Classification: Likely benign. Last evaluated: 2016-09-18. Review status: criteria provided, single submitter. Criteria: GeneDx Variant Classification (06012015). Collection method: clinical testing. Allele origin: germline. Affected: yes.
Comment: This variant is considered likely benign or benign based on one or more of the following criteria: it is a conservative change, it occurs at a poorly conserved position in the protein, it is predicted to be benign by multiple in silico algorithms, and/or has population frequency not consistent with disease.